The following is an entry in ClinVar:

NM_000628.5(IL10RB):c.107A>C (p.Asn36Thr)

Genes: IL10RB (interleukin 10 receptor subunit beta; plus strand), IFNAR2-IL10RB (IFNAR2-IL10RB readthrough; plus strand). Cytogenetic location: 21q22.11.
Variant type: single nucleotide variant.
Coding change: c.107A>C on transcript NM_000628.5 (MANE Select); coding-DNA position 107, A replaced by C.
Protein change: p.Asn36Thr; replaces asparagine 36 with threonine.
Molecular consequence: missense variant.
Genome position (GRCh38, 1-based): chr21:33,268,451, A>C. VCF-style: chr21-33268451-A-C. GRCh37 (hg19) VCF-style: chr21-34640756-A-C.
Other names: short protein forms N36T.
Identifiers: ClinVar variation 1358744 (VCV001358744.8), dbSNP rs2123561113, ClinGen allele CA410107162.

ClinVar aggregate classification (germline): Uncertain significance (1 of 4 stars; one submission).

Conditions:
Inflammatory bowel disease 25. Also called: Inflammatory bowel disease 25, early onset, autosomal recessive. Identifiers: Orphanet 238569, MedGen C2675508, MONDO:0012941, OMIM 612567.

Submission:

Labcorp Genetics (formerly Invitae), Labcorp
Classification: Uncertain significance for Inflammatory bowel disease 25. Last evaluated: 2021-06-14. Review status: criteria provided, single submitter. Criteria: Invitae Variant Classification Sherloc (09022015). Collection method: clinical testing. Allele origin: germline.
Comment: Algorithms developed to predict the effect of missense changes on protein structure and function are either unavailable or do not agree on the potential impact of this missense change (SIFT: "Tolerated"; PolyPhen-2: "Probably Damaging"; Align-GVGD: "Class C0"). In summary, the available evidence is currently insufficient to determine the role of this variant in disease. Therefore, it has been classified as a Variant of Uncertain Significance. This variant has not been reported in the literature in individuals with IL10RB-related conditions. This variant is not present in population databases (ExAC no frequency). This sequence change replaces asparagine with threonine at codon 36 of the IL10RB protein (p.Asn36Thr). The asparagine residue is moderately conserved and there is a small physicochemical difference between asparagine and threonine.